The following is an entry in ClinVar:

ClinVar aggregate classification (germline): Pathogenic (1 of 4 stars; one submission).

Submission:

GeneDx
Classification: Pathogenic. Last evaluated: 2022-06-16. Review status: criteria provided, single submitter. Criteria: GeneDx Variant Classification Process June 2021. Collection method: clinical testing. Allele origin: germline. Affected: yes.
Comment: Frameshift variant predicted to result in protein truncation or nonsense mediated decay in a gene for which loss of function is a known mechanism of disease; Not observed at significant frequency in large population cohorts (gnomAD); Has not been previously published as pathogenic or benign to our knowledge

NM_013275.6(ANKRD11):c.3532_3535dup (p.Lys1179fs)

Gene: ANKRD11 (ankyrin repeat domain containing 11; minus strand). Cytogenetic location: 16q24.3.
Variant type: Duplication.
Coding change: c.3532_3535dup on transcript NM_013275.6 (MANE Select); coding-DNA positions 3532 to 3535, 4 bases duplicated (GACA; older notation c.3532_3535dupGACA).
Protein change: p.Lys1179fs; shifts the reading frame from lysine 1179.
Molecular consequence: frameshift variant.
Genome position (GRCh38, 1-based): chr16:89,283,007-89,283,010, TGTC duplicated on the plus strand (GACA on the coding strand, the reverse complement: ANKRD11 is on the minus strand). VCF-style (leftmost placement, unchanged base first): chr16-89283006-T-TTGTC. GRCh37 (hg19) VCF-style: chr16-89349414-T-TTGTC.
Other names: c.3532_3535dup, p.Lys1179fs (NM_001256182.2, NM_001256183.2); short protein forms K1179fs.
Identifiers: ClinVar variation 1804495 (VCV001804495.1), dbSNP rs2544237044, ClinGen allele CA2580092281.